The following is an entry in ClinVar:

ClinVar aggregate classification (germline): Uncertain significance (1 of 4 stars; one submission).

Allele frequency attached by ClinVar (database versions not stated): gnomAD exomes below 0.00001; ExAC 0.00002.

Submission:

Labcorp Genetics (formerly Invitae), Labcorp
Classification: Uncertain significance. Last evaluated: 2025-08-20. Review status: criteria provided, single submitter. Criteria: Invitae Variant Classification Sherloc (09022015). Collection method: clinical testing. Allele origin: germline.
Comment: This sequence change replaces methionine, which is neutral and non-polar, with arginine, which is basic and polar, at codon 275 of the CREB3L3 protein (p.Met275Arg). This variant is present in population databases (rs759820267, gnomAD 0.002%). This variant has not been reported in the literature in individuals affected with CREB3L3-related conditions. ClinVar contains an entry for this variant (Variation ID: 2995443). An algorithm developed to predict the effect of missense changes on protein structure and function (PolyPhen-2) suggests that this variant is likely to be tolerated. In summary, the available evidence is currently insufficient to determine the role of this variant in disease. Therefore, it has been classified as a Variant of Uncertain Significance.

NM_032607.3(CREB3L3):c.824T>G (p.Met275Arg)

Gene: CREB3L3 (cAMP responsive element binding protein 3 like 3; plus strand). Cytogenetic location: 19p13.3.
Variant type: single nucleotide variant.
Coding change: c.824T>G on transcript NM_032607.3 (MANE Select); coding-DNA position 824, T replaced by G.
Protein change: p.Met275Arg; replaces methionine 275 with arginine.
Molecular consequence: missense variant.
Genome position (GRCh38, 1-based): chr19:4,170,142, T>G. VCF-style: chr19-4170142-T-G. GRCh37 (hg19) VCF-style: chr19-4170139-T-G.
Other names: c.821T>G, p.Met274Arg (NM_001271995.2); c.818T>G, p.Met273Arg (NM_001271996.2); c.717T>G, p.Asp239Glu (NM_001271997.2); short protein forms D239E, M273R, M275R, M274R.
Identifiers: ClinVar variation 2995443 (VCV002995443.3), dbSNP rs759820267, ClinGen allele CA9091496.
Genomic context (GRCh38, chr19:4,170,142, plus strand): 5'-AGTGGGGCCAGCTGGTGACTGGCATATGCTGAATGTCGATGCGTCTTCCTCCTTTCAGGA[T>G]GTCAGCTTGCACTGCTCAGAATCAGGAGTTACAGAGGAAAGTCTTGCATCTCGAGAAGCA-3'
Protein context (NP_115996.1, residues 265-285): KEYIDGLETR[Met275Arg]SACTAQNQEL